The following is an entry in ClinVar:

NR_199791.1(RNU2-2):n.38A>G

Genes: RNU2-2 (RNA, U2 small nuclear 2; minus strand), WDR74 (WD repeat domain 74; minus strand). Cytogenetic location: 11q12.3.
Variant type: single nucleotide variant.
Molecular consequence: non-coding transcript variant (on NR_199791.1). On other transcripts: 5 prime UTR variant (1).
Genome position: GRCh38 VCF-style: chr11-62841772-T-C. GRCh37 (hg19) VCF-style: chr11-62609244-T-C.
Other names: c.-501A>G (NM_001369451.1).
Identifiers: ClinVar variation 4540474 (VCV004540474.1).

ClinVar aggregate classification (germline): Uncertain significance (1 of 4 stars; one submission).

Submission:

Institute for Human Genetics, University Hospital Essen
Classification: Uncertain significance. Last evaluated: 2025-11-27. Review status: criteria provided, single submitter. Criteria: Submitter's publication. Collection method: clinical testing. Allele origin: de novo. Inheritance: Autosomal unknown. Affected: yes. Observed: 1 variant allele, 1 heterozygote.
Comment: PS2_supp, PM1, PM2_supp (criteria rationale detailed in Leitão et al. Nature Genetics 2026)